The following is an entry in ClinVar:

ClinVar aggregate classification (germline): Pathogenic. Review status: criteria provided, multiple submitters, no conflicts (2 of 4 stars). 2 submissions from 2 submitters: Pathogenic (2). Last evaluated 2025-04-11.

Conditions:
Inborn genetic diseases. Identifiers: MedGen C0950123, MeSH D030342.

Submissions (2):

GeneDx
Classification: Pathogenic. Last evaluated: 2025-04-11. Review status: criteria provided, single submitter. Criteria: GeneDx Variant Classification Process June 2021. Collection method: clinical testing. Allele origin: germline. Affected: yes.
Comment: Reported in an individual with SATB2-associated syndrome in published literature (PMID: 28139846); Frameshift variant predicted to result in abnormal protein length as the last 157 amino acid(s) are replaced with 46 different amino acid(s), and other similar variants have been reported in HGMD; Not observed at significant frequency in large population cohorts (gnomAD); This variant is associated with the following publications: (PMID: 28151491, 29436146, 33004838, 28139846)

Ambry Genetics
Classification: Pathogenic for Inborn genetic diseases. Last evaluated: 2020-03-11. Review status: criteria provided, single submitter. Criteria: Ambry Variant Classification Scheme 2023. Collection method: clinical testing. Allele origin: germline.
Comment: The alteration results in a premature stop codon: _x000D_ _x000D_ The c.1728delT (p.E577Sfs*47) alteration, located in exon 11 (coding exon 9) of the SATB2 gene, results from a deletion of one nucleotide at position 1728, causing a translational frameshift with a predicted alternate stop codon after 47 amino acids. Frameshifts are typically deleterious in nature; however, this frameshift occurs at the 3' terminus of SATB2, is not expected to trigger nonsense-mediated mRNA decay, and a truncated mutant protein could still be expressed (Maquat, 2004). This alteration impacts the last 109 amino acids and removes approximately15% of the protein. In addition, this alteration and additional truncating alterations downstream of this alteration have been reported in the literature as disease-causing (Bengani, 2017; Zarate, 2017; Zarate, 2018). The alteration is not observed in population databases: _x000D_ _x000D_ Based on data from the Genome Aggregation Database (gnomAD), the SATB2 c.1728delT alteration was not observed, with coverage at this position. (Zarate, 2017). Based on the available evidence, this alteration is classified as pathogenic.

Literature cited by the submitters: PubMed 28139846 (cited by Ambry Genetics); PubMed 28151491 (cited by Ambry Genetics); PubMed 29436146 (cited by Ambry Genetics).

NM_001172509.2(SATB2):c.1728del (p.Glu577fs)

Gene: SATB2 (SATB homeobox 2; minus strand). Cytogenetic location: 2q33.1.
Variant type: Deletion.
Coding change: c.1728del on transcript NM_001172509.2 (MANE Select); coding-DNA position 1728, one base deleted (T; older notation c.1728delT).
Protein change: p.Glu577fs; shifts the reading frame from glutamic acid 577.
Molecular consequence: frameshift variant.
Genome position (GRCh38, 1-based): chr2:199,308,772, A deleted on the plus strand (T on the coding strand, the reverse complement: SATB2 is on the minus strand). VCF-style (leftmost placement, unchanged base first): chr2-199308771-CA-C. GRCh37 (hg19) VCF-style: chr2-200173494-CA-C.
Other names: c.1728del, p.Glu577fs (NM_001172517.1, NM_015265.4); c.1728delT (NM_015265.3); c.1728del (NM_015265.3); short protein forms E577fs.
Identifiers: ClinVar variation 986080 (VCV000986080.5), dbSNP rs1687511235, ClinGen allele CA1139657593.